The following is an entry in ClinVar:

NM_004208.4(AIFM1):c.249+1258T>C

Genes: RAB33A (RAB33A, member RAS oncogene family; plus strand), AIFM1 (apoptosis inducing factor mitochondria associated 1; minus strand). Cytogenetic location: Xq26.1.
Variant type: single nucleotide variant.
Coding change: c.249+1258T>C on transcript NM_004208.4 (MANE Select); 1258 bases into the intron after coding-DNA position 249, T replaced by C.
Molecular consequence: intron variant. On other transcripts: missense variant (1).
Genome position (GRCh38, 1-based): chrX:130,155,203, A>G on the plus strand (T>C on the coding strand, the complement: AIFM1 is on the minus strand). VCF-style: chrX-130155203-A-G. GRCh37 (hg19) VCF-style: chrX-129289178-A-G.
Other names: c.190T>C, p.Tyr64His (NM_145812.3); c.249+1258T>C (NM_001130847.4); c.190T>C (NM_145812.2); short protein forms Y64H.
Identifiers: ClinVar variation 916947 (VCV000916947.5), dbSNP rs753318816, ClinGen allele CA10515499.

ClinVar aggregate classification (germline): Likely benign. Review status: criteria provided, multiple submitters, no conflicts (2 of 4 stars). 3 submissions from 3 submitters: Likely benign (2). 1 of the submissions does not count toward it. Last evaluated 2022-08-03.

Conditions:
AIFM1-related disorder. Also called: AIFM1-related condition.
Inborn genetic diseases. Identifiers: MedGen C0950123, MeSH D030342.
Charcot-Marie-Tooth disease. Also called: Charcot-Marie-Tooth Hereditary Neuropathy; Charcot-Marie-Tooth Neuropathy. Identifiers: Orphanet 166, MedGen C0007959, MONDO:0015626.

Allele frequency attached by ClinVar (database versions not stated): gnomAD exomes 0.00001 and 0.00005; ExAC 0.00003.
gnomAD v4.1: 15 of 1,211,457 alleles (0.0012%); highest among the groups gnomAD compares: South Asian, 0.021%; no homozygotes.

Submissions (3):

Ambry Genetics
Classification: Likely benign for Inborn genetic diseases. Last evaluated: 2022-08-03. Review status: criteria provided, single submitter. Criteria: Ambry Variant Classification Scheme 2023. Collection method: clinical testing. Allele origin: germline.

Molecular Genetics Laboratory, London Health Sciences Centre
Classification: Likely benign for Charcot-Marie-Tooth disease. Review status: criteria provided, single submitter. Criteria: ACMG Guidelines, 2015. Collection method: clinical testing. Allele origin: germline. Affected: yes.

PreventionGenetics, part of Exact Sciences
Classification: Likely benign for AIFM1-related condition. Last evaluated: 2022-10-07. Review status: no assertion criteria provided. Collection method: clinical testing. Allele origin: germline. Not counted in ClinVar's aggregate classification.
Comment: This variant is classified as likely benign based on ACMG/AMP sequence variant interpretation guidelines (Richards et al. 2015 PMID: 25741868, with internal and published modifications).